The following is an entry in ClinVar:

NM_006767.4(LZTR1):c.678A>T (p.Pro226=)

Gene: LZTR1 (leucine zipper like post translational regulator 1; plus strand). Cytogenetic location: 22q11.21.
Variant type: single nucleotide variant.
Coding change: c.678A>T on transcript NM_006767.4 (MANE Select); coding-DNA position 678, A replaced by T.
Protein change: p.Pro226=; no amino-acid change (proline 226 retained).
Molecular consequence: synonymous variant.
Genome position (GRCh38, 1-based): chr22:20,990,412, A>T. VCF-style: chr22-20990412-A-T. GRCh37 (hg19) VCF-style: chr22-21344701-A-T.
Identifiers: ClinVar variation 390656 (VCV000390656.40), dbSNP rs200001328, ClinGen allele CA10118592.
Genomic context (GRCh38, chr22:20,990,412, plus strand): 5'-GAGGCCGGGGCTGAGCTGTCCTCTCCCCCTGCAGGTGGCCCAGAGTGGCGAGATCCCCCC[A>T]TCTTGCTGCAACTTCCCCGTGGCTGTGTGCCGGGACAAGATGTTTGTATTCTCTGGGCAA-3'
Protein context (NP_006758.2, residues 216-236): EEVAQSGEIP[Pro226=]SCCNFPVAVC

ClinVar aggregate classification (germline): Benign/Likely benign. Review status: criteria provided, multiple submitters, no conflicts (2 of 4 stars). 7 submissions from 7 submitters: Benign (1); Likely benign (6). Last evaluated 2026-07-01.

Conditions:
Hereditary cancer-predisposing syndrome. Also called: Hereditary neoplastic syndrome; Neoplastic Syndromes, Hereditary; Hereditary Cancer Syndrome; Tumor predisposition. Identifiers: Orphanet 140162, MedGen C0027672, MeSH D009386, MONDO:0015356.
Cardiovascular phenotype. Identifiers: MedGen CN230736.

Allele frequency attached by ClinVar (database versions not stated): gnomAD 0.00021; TOPMed 0.00048; 1000 Genomes Project 30x 0.00094; 1000 Genomes Project 0.00100.
gnomAD v4.1: 234 of 1,614,100 alleles (0.014%); highest among the groups gnomAD compares: Admixed American, 0.23%; no homozygotes.

Submissions (7):

CeGaT Center for Human Genetics Tuebingen
Classification: Likely benign. Last evaluated: 2026-07-01. Review status: criteria provided, single submitter. Criteria: CeGaT Center For Human Genetics Tuebingen Variant Classification Criteria Version 2. Collection method: clinical testing. Allele origin: germline. Affected: yes. Observed: 6 variant alleles.
Comment: LZTR1: BP4, BP7

Labcorp Genetics (formerly Invitae), Labcorp
Classification: Benign. Last evaluated: 2026-01-26. Review status: criteria provided, single submitter. Criteria: Invitae Variant Classification Sherloc (09022015). Collection method: clinical testing. Allele origin: germline.

ARUP Laboratories, Molecular Genetics and Genomics, ARUP Laboratories
Classification: Likely benign. Last evaluated: 2025-03-07. Review status: criteria provided, single submitter. Criteria: ARUP Molecular Germline Variant Investigation Process 2024. Collection method: clinical testing. Allele origin: germline.

Blueprint Genetics
Classification: Likely benign. Last evaluated: 2024-03-05. Review status: criteria provided, single submitter. Criteria: ACMG Guidelines, 2015. Collection method: clinical testing. Allele origin: germline.

Women's Health and Genetics/Laboratory Corporation of America, LabCorp
Classification: Likely benign. Last evaluated: 2023-07-05. Review status: criteria provided, single submitter. Criteria: LabCorp Variant Classification Summary - May 2015. Collection method: clinical testing. Allele origin: germline.
Comment: Variant summary: LZTR1 c.678A>T alters a conserved nucleotide resulting in a synonymous change. 4/4 computational tools predict no significant impact on normal splicing. However, these predictions have yet to be confirmed by functional studies. The variant allele was found at a frequency of 0.00036 in 251400 control chromosomes. To our knowledge, no occurrence of c.678A>T in individuals affected with Schwannomatosis and no experimental evidence demonstrating its impact on protein function have been reported. Three submitters have cited clinical-significance assessments for this variant to ClinVar after 2014. All submitters classified the variant as benign/likely benign. Based on the evidence outlined above, the variant was classified as likely benign.

Ambry Genetics
Classification: Likely benign for Cardiovascular phenotype; Hereditary cancer-predisposing syndrome. Last evaluated: 2020-08-14. Review status: criteria provided, single submitter. Criteria: Ambry Variant Classification Scheme 2023. Collection method: clinical testing. Allele origin: germline.

GeneDx
Classification: Likely benign. Last evaluated: 2016-11-08. Review status: criteria provided, single submitter. Criteria: GeneDx Variant Classification (06012015). Collection method: clinical testing. Allele origin: germline. Affected: yes.
Comment: This variant is considered likely benign or benign based on one or more of the following criteria: it is a conservative change, it occurs at a poorly conserved position in the protein, it is predicted to be benign by multiple in silico algorithms, and/or has population frequency not consistent with disease.